The following is an entry in ClinVar:

ClinVar aggregate classification (germline): Uncertain significance (1 of 4 stars; one submission).

Allele frequency attached by ClinVar (database versions not stated): gnomAD exomes below 0.00001; gnomAD 0.00001.
gnomAD v4.1: 2 of 1,614,052 alleles (0.00012%); highest among the groups gnomAD compares: African/African-American, 0.0027%; no homozygotes.

Submission:

Labcorp Genetics (formerly Invitae), Labcorp
Classification: Uncertain significance. Last evaluated: 2023-11-13. Review status: criteria provided, single submitter. Criteria: Invitae Variant Classification Sherloc (09022015). Collection method: clinical testing. Allele origin: germline.
Comment: This sequence change replaces isoleucine, which is neutral and non-polar, with phenylalanine, which is neutral and non-polar, at codon 374 of the ABCA4 protein (p.Ile374Phe). This variant is not present in population databases (gnomAD no frequency). This variant has not been reported in the literature in individuals affected with ABCA4-related conditions. ClinVar contains an entry for this variant (Variation ID: 1370745). Advanced modeling of protein sequence and biophysical properties (such as structural, functional, and spatial information, amino acid conservation, physicochemical variation, residue mobility, and thermodynamic stability) performed at Invitae indicates that this missense variant is not expected to disrupt ABCA4 protein function with a negative predictive value of 80%. Algorithms developed to predict the effect of sequence changes on RNA splicing suggest that this variant may disrupt the consensus splice site. In summary, the available evidence is currently insufficient to determine the role of this variant in disease. Therefore, it has been classified as a Variant of Uncertain Significance.

NM_000350.3(ABCA4):c.1120A>T (p.Ile374Phe)

Gene: ABCA4 (ATP binding cassette subfamily A member 4; minus strand). Cytogenetic location: 1p22.1.
Variant type: single nucleotide variant.
Coding change: c.1120A>T on transcript NM_000350.3 (MANE Select); coding-DNA position 1120, A replaced by T.
Protein change: p.Ile374Phe; replaces isoleucine 374 with phenylalanine.
Molecular consequence: missense variant.
Genome position (GRCh38, 1-based): chr1:94,079,441, T>A on the plus strand (A>T on the coding strand, the complement: ABCA4 is on the minus strand). VCF-style: chr1-94079441-T-A. GRCh37 (hg19) VCF-style: chr1-94544997-T-A.
Other names: c.1120A>T, p.Ile374Phe (NM_001425324.1); short protein forms I374F.
Identifiers: ClinVar variation 1370745 (VCV001370745.6), dbSNP rs1661630042, ClinGen allele CA341283493.